The following is an entry in ClinVar:

ClinVar aggregate classification (germline): Uncertain significance (1 of 4 stars; one submission).

Conditions:
Inborn genetic diseases. Identifiers: MedGen C0950123, MeSH D030342.

Submission:

Ambry Genetics
Classification: Uncertain significance for Inborn genetic diseases. Last evaluated: 2025-09-12. Review status: criteria provided, single submitter. Criteria: Ambry Variant Classification Scheme 2023. Collection method: clinical testing. Allele origin: germline.
Comment: The p.Q270K variant (also known as c.808C>A), located in coding exon 5 of the MECOM gene, results from a C to A substitution at nucleotide position 808. The glutamine at codon 270 is replaced by lysine, an amino acid with similar properties. This amino acid position is conserved. In addition, this alteration is predicted to be tolerated by in silico analysis. Based on the available evidence, the clinical significance of this variant remains unclear.

NM_004991.4(MECOM):c.808C>A (p.Gln270Lys)

Gene: MECOM (MDS1 and EVI1 complex locus; minus strand). Cytogenetic location: 3q26.2.
Variant type: single nucleotide variant.
Coding change: c.808C>A on transcript NM_004991.4 (MANE Select); coding-DNA position 808, C replaced by A.
Protein change: p.Gln270Lys; replaces glutamine 270 with lysine.
Molecular consequence: missense variant.
Genome position (GRCh38, 1-based): chr3:169,127,866, G>T on the plus strand (C>A on the coding strand, the complement: MECOM is on the minus strand). VCF-style: chr3-169127866-G-T. GRCh37 (hg19) VCF-style: chr3-168845654-G-T.
Other names: c.436C>A, p.Gln146Lys (NM_001105077.4); c.244C>A, p.Gln82Lys (NM_001105078.4, NM_001163999.2, NM_001164000.2 and 9 more transcripts); c.808C>A, p.Gln270Lys (NM_001366466.2, NM_001366473.2); short protein forms Q146K, Q270K, Q82K.
Identifiers: ClinVar variation 4105923 (VCV004105923.1).